The following is an entry in ClinVar:

NM_001243133.2(NLRP3):c.2345A>G (p.His782Arg)

Gene: NLRP3 (NLR family pyrin domain containing 3; plus strand). Cytogenetic location: 1q44.
Variant type: single nucleotide variant.
Coding change: c.2345A>G on transcript NM_001243133.2 (MANE Select); coding-DNA position 2345, A replaced by G.
Protein change: p.His782Arg; replaces histidine 782 with arginine.
Molecular consequence: missense variant.
Genome position (GRCh38, 1-based): chr1:247,434,126, A>G. VCF-style: chr1-247434126-A-G. GRCh37 (hg19) VCF-style: chr1-247597428-A-G.
Other names: c.2345A>G, p.His782Arg (NM_001079821.3, NM_001127461.3); c.2174A>G, p.His725Arg (NM_001127462.3, NM_183395.3); c.2351A>G, p.His784Arg (NM_004895.5); short protein forms H725R, H782R, H784R.
Identifiers: ClinVar variation 3777490 (VCV003777490.1).
Genomic context (GRCh38, chr1:247,434,126, plus strand): 5'-TGTTCTGATGCTTTCTGCCTCTGTTCTTGGCATGAAGGTTGGGGCGCTGTGGCCTCTCGC[A>G]TGAGTGCTGCTTCGACATCTCCTTGGTCCTCAGCAGCAACCAGAAGCTGGTGGAGCTGGA-3'
Protein context (NP_001230062.1, residues 772-792): RLWLGRCGLS[His782Arg]ECCFDISLVL

ClinVar aggregate classification (germline): Uncertain significance (1 of 4 stars; one submission).

gnomAD v4.1: 3 of 1,554,940 alleles (0.00019%); highest among the groups gnomAD compares: East Asian, 0.0024%; no homozygotes.

Submission:

GeneDx
Classification: Uncertain significance. Last evaluated: 2024-10-14. Review status: criteria provided, single submitter. Criteria: GeneDx Variant Classification Process June 2021. Collection method: clinical testing. Allele origin: germline. Affected: yes.
Comment: In silico analysis indicates that this missense variant does not alter protein structure/function; Has not been previously published as pathogenic or benign to our knowledge; Also known as p.(H782R)